The following is an entry in ClinVar:

NM_002317.7(LOX):c.565A>G (p.Thr189Ala)

Genes: LOX (lysyl oxidase; minus strand), SRFBP1 (serum response factor binding protein 1; plus strand). Cytogenetic location: 5q23.1.
Variant type: single nucleotide variant.
Coding change: c.565A>G on transcript NM_002317.7 (MANE Select); coding-DNA position 565, A replaced by G.
Protein change: p.Thr189Ala; replaces threonine 189 with alanine.
Molecular consequence: missense variant.
Genome position (GRCh38, 1-based): chr5:122,077,421, T>C on the plus strand (A>G on the coding strand, the complement: LOX is on the minus strand). VCF-style: chr5-122077421-T-C. GRCh37 (hg19) VCF-style: chr5-121413116-T-C.
Other names: c.565A>G (NM_002317.6); short protein forms T189A.
Identifiers: ClinVar variation 2795565 (VCV002795565.4), dbSNP rs2532916342, ClinGen allele CA360875660.

ClinVar aggregate classification (germline): Uncertain significance. Review status: criteria provided, multiple submitters, no conflicts (2 of 4 stars). 2 submissions from 2 submitters: Uncertain significance (2). Last evaluated 2026-02-09.

Submissions (2):

GeneDx
Classification: Uncertain significance. Last evaluated: 2026-02-09. Review status: criteria provided, single submitter. Criteria: GeneDx Variant Classification Process June 2021. Collection method: clinical testing. Allele origin: germline.
Comment: Not observed at significant frequency in large population cohorts (gnomAD); In silico analysis suggests that this missense variant does not alter protein structure/function; Has not been previously published as pathogenic or benign to our knowledge

Labcorp Genetics (formerly Invitae), Labcorp
Classification: Uncertain significance. Last evaluated: 2023-10-13. Review status: criteria provided, single submitter. Criteria: Invitae Variant Classification Sherloc (09022015). Collection method: clinical testing. Allele origin: germline.
Comment: This sequence change replaces threonine, which is neutral and polar, with alanine, which is neutral and non-polar, at codon 189 of the LOX protein (p.Thr189Ala). This variant is not present in population databases (gnomAD no frequency). This variant has not been reported in the literature in individuals affected with LOX-related conditions. Advanced modeling of protein sequence and biophysical properties (such as structural, functional, and spatial information, amino acid conservation, physicochemical variation, residue mobility, and thermodynamic stability) performed at Invitae indicates that this missense variant is not expected to disrupt LOX protein function. In summary, the available evidence is currently insufficient to determine the role of this variant in disease. Therefore, it has been classified as a Variant of Uncertain Significance.